The following is an entry in ClinVar:

ClinVar aggregate classification (germline): Uncertain significance. Review status: criteria provided, multiple submitters, no conflicts (2 of 4 stars). 6 submissions from 4 submitters: Uncertain significance (6). Last evaluated 2025-08-22.

Conditions:
Autosomal recessive nonsyndromic hearing loss 2. Also called: NEUROSENSORY NONSYNDROMIC RECESSIVE DEAFNESS 2; DEAFNESS, AUTOSOMAL RECESSIVE 2. Identifiers: Orphanet 90636, MedGen C1838701, MONDO:0010807, OMIM 600060.
Inborn genetic diseases. Identifiers: MedGen C0950123, MeSH D030342.
Usher syndrome type 1 (USH1). Also called: RETINITIS PIGMENTOSA AND CONGENITAL DEAFNESS. Identifiers: Orphanet 231169, Orphanet 886, MedGen C1568247, MONDO:0010168, OMIM 276900.
Autosomal dominant nonsyndromic hearing loss 11. Identifiers: Orphanet 90635, MedGen C1832475, MONDO:0011032, OMIM 601317.

Allele frequency attached by ClinVar (database versions not stated): gnomAD below 0.00001; TOPMed 0.00001.
gnomAD v4.1: 14 of 1,551,306 alleles (0.0009%); highest among the groups gnomAD compares: Admixed American, 0.0077%; no homozygotes.

Submissions (6):

Ambry Genetics
Classification: Uncertain significance for Inborn genetic diseases. Last evaluated: 2025-08-22. Review status: criteria provided, single submitter. Criteria: Ambry Variant Classification Scheme 2023. Collection method: clinical testing. Allele origin: germline.

Labcorp Genetics (formerly Invitae), Labcorp
Classification: Uncertain significance. Last evaluated: 2025-01-13. Review status: criteria provided, single submitter. Criteria: Invitae Variant Classification Sherloc (09022015). Collection method: clinical testing. Allele origin: germline.
Comment: This sequence change replaces arginine, which is basic and polar, with tryptophan, which is neutral and slightly polar, at codon 804 of the MYO7A protein (p.Arg804Trp). The frequency data for this variant in the population databases is considered unreliable, as metrics indicate poor data quality at this position in the gnomAD database. This variant has not been reported in the literature in individuals affected with MYO7A-related conditions. ClinVar contains an entry for this variant (Variation ID: 881167). Invitae Evidence Modeling of protein sequence and biophysical properties (such as structural, functional, and spatial information, amino acid conservation, physicochemical variation, residue mobility, and thermodynamic stability) indicates that this missense variant is not expected to disrupt MYO7A protein function with a negative predictive value of 95%. In summary, the available evidence is currently insufficient to determine the role of this variant in disease. Therefore, it has been classified as a Variant of Uncertain Significance.

Blueprint Genetics
Classification: Uncertain significance. Last evaluated: 2024-09-09. Review status: criteria provided, single submitter. Criteria: ACMG Guidelines, 2015. Collection method: clinical testing. Allele origin: germline.

Illumina Laboratory Services, Illumina
Classification: Uncertain significance for Autosomal recessive nonsyndromic hearing loss 2. Last evaluated: 2018-03-30. Review status: criteria provided, single submitter. Criteria: ICSL Variant Classification Criteria 13 December 2019. Collection method: clinical testing. Allele origin: germline.

Illumina Laboratory Services, Illumina
Classification: Uncertain significance for Usher syndrome type 1. Last evaluated: 2018-03-30. Review status: criteria provided, single submitter. Criteria: ICSL Variant Classification Criteria 13 December 2019. Collection method: clinical testing. Allele origin: germline.

Illumina Laboratory Services, Illumina
Classification: Uncertain significance for Autosomal dominant nonsyndromic hearing loss 11. Last evaluated: 2018-03-30. Review status: criteria provided, single submitter. Criteria: ICSL Variant Classification Criteria 13 December 2019. Collection method: clinical testing. Allele origin: germline.

NM_000260.4(MYO7A):c.2410C>T (p.Arg804Trp)

Gene: MYO7A (myosin VIIA; plus strand). Cytogenetic location: 11q13.5.
Variant type: single nucleotide variant.
Coding change: c.2410C>T on transcript NM_000260.4 (MANE Select); coding-DNA position 2410, C replaced by T.
Protein change: p.Arg804Trp; replaces arginine 804 with tryptophan.
Molecular consequence: missense variant.
Genome position (GRCh38, 1-based): chr11:77,179,777, C>T. VCF-style: chr11-77179777-C-T. GRCh37 (hg19) VCF-style: chr11-76890823-C-T.
Other names: c.2410C>T, p.Arg804Trp (NM_001127180.2); c.2377C>T, p.Arg793Trp (NM_001369365.1); short protein forms R793W, R804W.
Identifiers: ClinVar variation 881167 (VCV000881167.12), dbSNP rs778880077, ClinGen allele CA6197836.
Genomic context (GRCh38, chr11:77,179,777, plus strand): 5'-GGGTGGCTGTCCTTGCAGATGCGTCTGGGCTTCCTGCGGCTGCAGGCCCTGCACCGCTCC[C>T]GGAAGCTGCACCAGCAGTACCGCCTGGCCCGCCAGCGCATCATCCAGTTCCAGGCCCGCT-3'
Protein context (NP_000251.3, residues 794-814): FLRLQALHRS[Arg804Trp]KLHQQYRLAR